The following is an entry in ClinVar:

NM_001083961.2(WDR62):c.538dup (p.Val180fs)

Gene: WDR62 (WD repeat domain 62; plus strand). Cytogenetic location: 19q13.12.
Variant type: Duplication.
Coding change: c.538dup on transcript NM_001083961.2 (MANE Select); coding-DNA position 538, one base duplicated (G; older notation c.538dupG).
Protein change: p.Val180fs; shifts the reading frame from valine 180.
Molecular consequence: frameshift variant.
Genome position (GRCh38, 1-based): chr19:36,066,404, G duplicated; the last of 2 consecutive G bases (chr19:36,066,403-36,066,404); duplicating either gives the same sequence. VCF-style (leftmost placement, unchanged base first): chr19-36066402-T-TG. GRCh37 (hg19) VCF-style: chr19-36557304-T-TG.
Other names: c.538dup, p.Val180fs (NM_001411145.1, NM_001411146.1, NM_001411147.1 and 1 more transcripts); short protein forms V180fs.
Identifiers: ClinVar variation 5005971 (VCV005005971.2).
Genomic context (GRCh38, chr19:36,066,402, plus strand): 5'-CGTGTGTGGCCTTCTCACCCAATATGAAGCACATCGTGTCCATGGGCTACCAACATGACA[T>TG]GGTGCTCAACGTCTGGGACTGGAAGGTAAGAGCCGACCAGCAGGCCTGTGGCAGGCAGCC-3'

ClinVar aggregate classification (germline): Likely pathogenic (1 of 4 stars; one submission).

Conditions:
Microcephaly 2, primary, autosomal recessive, with or without cortical malformations. Also called: MICROCEPHALY 2, PRIMARY, AUTOSOMAL RECESSIVE, WITH CORTICAL MALFORMATIONS; WDR62 Primary Microcephaly. Identifiers: Orphanet 2512, MedGen C1858535, MONDO:0011435, OMIM 604317.

Submission:

Juno Genomics, Hangzhou Juno Genomics, Inc
Classification: Likely pathogenic for Microcephaly 2, primary, autosomal recessive, with or without cortical malformations. Review status: criteria provided, single submitter. Criteria: ACMG Guidelines, 2015. Collection method: clinical testing. Allele origin: germline.
Comment: Null variant in a gene where loss of function (LOF) is a known mechanism of disease.;Absent from controls (or at extremely low frequency if recessive) in Genome Aggregation Database.